The following is an entry in ClinVar:

ClinVar aggregate classification (germline): Uncertain significance (1 of 4 stars; one submission).

Allele frequency attached by ClinVar (database versions not stated): gnomAD exomes below 0.00001.
gnomAD v4.1: 1 of 1,614,026 alleles (0.000062%); highest among the groups gnomAD compares: Non-Finnish European, 0.000085%; no homozygotes.

Submission:

Labcorp Genetics (formerly Invitae), Labcorp
Classification: Uncertain significance. Last evaluated: 2023-12-17. Review status: criteria provided, single submitter. Criteria: Invitae Variant Classification Sherloc (09022015). Collection method: clinical testing. Allele origin: germline.
Comment: This sequence change replaces threonine, which is neutral and polar, with isoleucine, which is neutral and non-polar, at codon 581 of the GHR protein (p.Thr581Ile). This variant is present in population databases (no rsID available, gnomAD 0.0009%). This variant has not been reported in the literature in individuals affected with GHR-related conditions. ClinVar contains an entry for this variant (Variation ID: 2069545). Advanced modeling of protein sequence and biophysical properties (such as structural, functional, and spatial information, amino acid conservation, physicochemical variation, residue mobility, and thermodynamic stability) performed at Invitae indicates that this missense variant is not expected to disrupt GHR protein function with a negative predictive value of 80%. In summary, the available evidence is currently insufficient to determine the role of this variant in disease. Therefore, it has been classified as a Variant of Uncertain Significance.

NM_000163.5(GHR):c.1742C>T (p.Thr581Ile)

Gene: GHR (growth hormone receptor; plus strand). Cytogenetic location: 5p12.
Variant type: single nucleotide variant.
Coding change: c.1742C>T on transcript NM_000163.5 (MANE Select); coding-DNA position 1742, C replaced by T.
Protein change: p.Thr581Ile; replaces threonine 581 with isoleucine.
Molecular consequence: missense variant. On other transcripts: 3 prime UTR variant (1).
Genome position (GRCh38, 1-based): chr5:42,719,249, C>T. VCF-style: chr5-42719249-C-T. GRCh37 (hg19) VCF-style: chr5-42719351-C-T.
Other names: c.1763C>T, p.Thr588Ile (NM_001242399.2); c.1742C>T, p.Thr581Ile (NM_001242400.2, NM_001242401.4, NM_001242402.2 and 4 more transcripts); c.1676C>T, p.Thr559Ile (NM_001242460.2); c.*784C>T (NM_001242462.1); short protein forms T559I, T581I, T588I.
Identifiers: ClinVar variation 2069545 (VCV002069545.4), dbSNP rs1203590408, ClinGen allele CA359630889.